The following is an entry in ClinVar:

NM_016042.4(EXOSC3):c.556C>T (p.Arg186Ter)

Gene: EXOSC3 (exosome component 3; minus strand). Cytogenetic location: 9p13.2.
Variant type: single nucleotide variant.
Coding change: c.556C>T on transcript NM_016042.4 (MANE Select); coding-DNA position 556, C replaced by T.
Protein change: p.Arg186Ter; replaces arginine 186 with a stop codon.
Molecular consequence: nonsense. On other transcripts: intron variant (1).
Genome position (GRCh38, 1-based): chr9:37,782,056, G>A on the plus strand (C>T on the coding strand, the complement: EXOSC3 is on the minus strand). VCF-style: chr9-37782056-G-A. GRCh37 (hg19) VCF-style: chr9-37782053-G-A.
Other names: c.475-1176C>T (NM_001002269.2); short protein forms R186*.
Identifiers: ClinVar variation 1723242 (VCV001723242.8), dbSNP rs149049356, ClinGen allele CA5062731.

ClinVar aggregate classification (germline): Pathogenic/Likely pathogenic. Review status: criteria provided, multiple submitters, no conflicts (2 of 4 stars). 3 submissions from 3 submitters: Pathogenic (2); Likely pathogenic (1). Last evaluated 2024-05-20.

Conditions:
Pontoneocerebellar hypoplasia. Also called: Pontocerebellar hypoplasia; Non-syndromic pontocerebellar hypoplasia. Identifiers: Orphanet 98523, MedGen C1261175, MONDO:0020135.
Pontocerebellar hypoplasia type 1B. Also called: EXOSC3 Pontocerebellar Hypoplasia. Identifiers: Orphanet 2254, MedGen C3553449, MONDO:0013853, OMIM 614678.

Allele frequency attached by ClinVar (database versions not stated): gnomAD exomes below 0.00001; TOPMed below 0.00001.
gnomAD v4.1: 6 of 1,609,876 alleles (0.00037%); highest among the groups gnomAD compares: East Asian, 0.0023%; no homozygotes.

Submissions (3):

Labcorp Genetics (formerly Invitae), Labcorp
Classification: Pathogenic for Pontocerebellar hypoplasia type 1B. Last evaluated: 2024-05-20. Review status: criteria provided, single submitter. Criteria: Invitae Variant Classification Sherloc (09022015). Collection method: clinical testing. Allele origin: germline.
Comment: This sequence change creates a premature translational stop signal (p.Arg186*) in the EXOSC3 gene. It is expected to result in an absent or disrupted protein product. Loss-of-function variants in EXOSC3 are known to be pathogenic (PMID: 22544365, 23284067, 24524299). This variant is not present in population databases (gnomAD no frequency). This variant has not been reported in the literature in individuals affected with EXOSC3-related conditions. ClinVar contains an entry for this variant (Variation ID: 1723242). For these reasons, this variant has been classified as Pathogenic.

Fulgent Genetics
Classification: Likely pathogenic for Pontocerebellar hypoplasia type 1B. Last evaluated: 2024-04-04. Review status: criteria provided, single submitter. Criteria: ACMG Guidelines, 2015. Collection method: clinical testing. Allele origin: germline.

Women's Health and Genetics/Laboratory Corporation of America, LabCorp
Classification: Pathogenic for Pontoneocerebellar hypoplasia. Last evaluated: 2024-04-02. Review status: criteria provided, single submitter. Criteria: LabCorp Variant Classification Summary - May 2015. Collection method: clinical testing. Allele origin: germline.
Comment: Variant summary: EXOSC3 c.556C>T (p.Arg186X) results in a premature termination codon, predicted to cause absence of the protein due to nonsense mediated decay, which is a commonly known mechanism for disease. The variant allele was found at a frequency of 4.1e-06 in 244310 control chromosomes (gnomAD). To our knowledge, no occurrence of c.556C>T in individuals affected with Pontocerebellar Hypoplasia, Type 1B and no experimental evidence demonstrating its impact on protein function have been reported. ClinVar contains an entry for this variant (Variation ID: 1723242). Based on the evidence outlined above, the variant was classified as pathogenic.

Literature cited by the submitters: PubMed 22544365 (cited by Labcorp Genetics (formerly Invitae), Labcorp); PubMed 23284067 (cited by Labcorp Genetics (formerly Invitae), Labcorp); PubMed 24524299 (cited by Labcorp Genetics (formerly Invitae), Labcorp).